The following is an entry in ClinVar:

ClinVar aggregate classification (germline): Likely benign (1 of 4 stars; one submission).

Submission:

GeneDx
Classification: Likely benign. Last evaluated: 2017-12-12. Review status: criteria provided, single submitter. Criteria: GeneDx Variant Classification (06012015). Collection method: clinical testing. Allele origin: germline. Affected: yes.
Comment: This variant is considered likely benign or benign based on one or more of the following criteria: it is a conservative change, it occurs at a poorly conserved position in the protein, it is predicted to be benign by multiple in silico algorithms, and/or has population frequency not consistent with disease.

NM_006231.3(POLE):c.-32delC

Genes: POLE (DNA polymerase epsilon, catalytic subunit; minus strand), LOC130009266 (ATAC-STARR-seq lymphoblastoid silent region 5123; plus strand). Cytogenetic location: 12q24.33.
Variant type: Deletion.
Coding change: c.-32delC on transcript NM_006231.3; 32 bases upstream of the start codon, one base deleted (C).
Genome position (GRCh38, 1-based): chr12:132,687,344, G deleted on the plus strand (C on the coding strand, the reverse complement: POLE is on the minus strand); the first of 4 consecutive G bases (chr12:132,687,344-132,687,347); deleting any one gives the same sequence. VCF-style (leftmost placement, unchanged base first): chr12-132687343-AG-A. GRCh37 (hg19) VCF-style: chr12-133263929-AG-A.
Identifiers: ClinVar variation 514116 (VCV000514116.3), dbSNP rs1555231453, ClinGen allele CA658798006.